The following is an entry in ClinVar:

ClinVar aggregate classification (germline): Conflicting classifications of pathogenicity. Review status: criteria provided, conflicting classifications (1 of 4 stars). 4 submissions from 4 submitters: Likely pathogenic (1); Uncertain significance (1). 2 of the submissions do not count toward it. Last evaluated 2025-12-06.

Conditions:
Dilated cardiomyopathy 1G (CMD1G). Identifiers: Orphanet 154, MedGen C1858763, MONDO:0011400, OMIM 604145.
Autosomal recessive limb-girdle muscular dystrophy type 2J (LGMDR10). Also called: Limb-girdle muscular dystrophy, type 2J; MUSCULAR DYSTROPHY, LIMB-GIRDLE, AUTOSOMAL RECESSIVE 10. Identifiers: Orphanet 140922, MedGen C1837342, MONDO:0012127, OMIM 608807.

Allele frequency attached by ClinVar (database versions not stated): gnomAD exomes below 0.00001 and 0.00001; TOPMed below 0.00001.
gnomAD v4.1: 9 of 1,604,154 alleles (0.00056%); highest among the groups gnomAD compares: Non-Finnish European, 0.00076%; no homozygotes.

Submissions (4):

Labcorp Genetics (formerly Invitae), Labcorp
Classification: Likely pathogenic for Dilated cardiomyopathy 1G; Autosomal recessive limb-girdle muscular dystrophy type 2J. Last evaluated: 2025-12-06. Review status: criteria provided, single submitter. Criteria: Invitae Variant Classification Sherloc (09022015). Collection method: clinical testing. Allele origin: germline.
Comment: This sequence change affects an acceptor splice site in intron 110 of the TTN gene. It is expected to disrupt RNA splicing and likely results in a truncated or disrupted TTN protein. This variant is present in population databases (no rsID available, gnomAD 0.0009%). This variant has not been reported in the literature in individuals affected with TTN-related conditions. ClinVar contains an entry for this variant (Variation ID: 950044). Algorithms developed to predict the effect of sequence changes on RNA splicing suggest that this variant may disrupt the consensus splice site. This variant is located in the I band of TTN (PMID: 25589632). Truncating variants in this region have been reported in individuals affected with autosomal recessive centronuclear myopathy (PMID: 23975875, internal data). Truncating variants in this region have also been identified in individuals affected with autosomal dominant dilated cardiomyopathy and/or cardio-related conditions (PMID: 27869827, 32964742, internal data). In summary, the currently available evidence indicates that the variant is pathogenic, but additional data are needed to prove that conclusively. Therefore, this variant has been classified as Likely Pathogenic.

CeGaT Center for Human Genetics Tuebingen
Classification: Uncertain significance. Last evaluated: 2025-05-01. Review status: criteria provided, single submitter. Criteria: CeGaT Center For Human Genetics Tuebingen Variant Classification Criteria Version 2. Collection method: clinical testing. Allele origin: germline. Affected: yes. Observed: 1 variant allele.
Comment: TTN: PM2, PVS1:Moderate

Clinical Genetics DNA and cytogenetics Diagnostics Lab, Erasmus MC, Erasmus Medical Center
Classification: Uncertain significance. Review status: no assertion criteria provided. Collection method: clinical testing. Allele origin: germline. Affected: yes. Study: VKGL Data-share Consensus. Not counted in ClinVar's aggregate classification.

Clinical Genetics, Academic Medical Center
Classification: Uncertain significance. Review status: no assertion criteria provided. Collection method: clinical testing. Allele origin: germline. Affected: yes. Study: VKGL Data-share Consensus. Not counted in ClinVar's aggregate classification.

Literature cited by the submitters: PubMed 25589632 (cited by Labcorp Genetics (formerly Invitae), Labcorp); PubMed 23975875 (cited by Labcorp Genetics (formerly Invitae), Labcorp); PubMed 27869827 (cited by Labcorp Genetics (formerly Invitae), Labcorp); PubMed 32964742 (cited by Labcorp Genetics (formerly Invitae), Labcorp).

NM_001267550.2(TTN):c.30599-1G>A

Gene: TTN (titin; minus strand). Cytogenetic location: 2q31.2.
Variant type: single nucleotide variant.
Coding change: c.30599-1G>A on transcript NM_001267550.2 (MANE Select); the canonical splice acceptor site of the intron before coding-DNA position 30599, G replaced by A.
Molecular consequence: splice acceptor variant. On other transcripts: intron variant (3).
Genome position (GRCh38, 1-based): chr2:178,701,204, C>T on the plus strand (G>A on the coding strand, the complement: TTN is on the minus strand). VCF-style: chr2-178701204-C-T. GRCh37 (hg19) VCF-style: chr2-179565931-C-T.
Other names: c.13282+36878G>A (NM_003319.4); c.13858+36878G>A (NM_133437.4); c.13657+36878G>A (NM_133432.3); c.26867-1G>A (NM_133378.4); c.29648-1G>A (NM_001256850.1).
Identifiers: ClinVar variation 950044 (VCV000950044.23), dbSNP rs1338491963, ClinGen allele CA349567565.
Genomic context (GRCh38, chr2:178,701,204, plus strand): 5'-TCTTTTCTTCGGGTGTTGGTAGCAAAAGGGGGATAGGAGGAGCAACCACAGGAGGGATTT[C>T]TGAAGAAAATAAATGCCGTTAGTAACATGTTTTAGTTTCTTATTTTGCGTAAAATATAAT-3'